The following is an entry in ClinVar:

NM_006734.4(HIVEP2):c.4796A>G (p.Lys1599Arg)

Gene: HIVEP2 (HIVEP zinc finger 2; minus strand). Cytogenetic location: 6q24.2.
Variant type: single nucleotide variant.
Coding change: c.4796A>G on transcript NM_006734.4 (MANE Select); coding-DNA position 4796, A replaced by G.
Protein change: p.Lys1599Arg; replaces lysine 1599 with arginine.
Molecular consequence: missense variant.
Genome position (GRCh38, 1-based): chr6:142,769,943, T>C on the plus strand (A>G on the coding strand, the complement: HIVEP2 is on the minus strand). VCF-style: chr6-142769943-T-C. GRCh37 (hg19) VCF-style: chr6-143091080-T-C.
Other names: short protein forms K1599R.
Identifiers: ClinVar variation 2635420 (VCV002635420.1), dbSNP rs2482819455, ClinGen allele CA365898095.

ClinVar aggregate classification (germline): Uncertain significance (1 of 4 stars; one submission).

Conditions:
HIVEP2-related disorder. Also called: HIVEP2-related condition.

Submission:

PreventionGenetics, part of Exact Sciences
Classification: Uncertain significance for HIVEP2-related condition. Last evaluated: 2022-12-22. Review status: criteria provided, single submitter. Criteria: ACMG Guidelines, 2015. Collection method: clinical testing. Allele origin: germline.
Comment: The HIVEP2 c.4796A>G variant is predicted to result in the amino acid substitution p.Lys1599Arg. To our knowledge, this variant has not been reported in the literature or in a large population database, indicating this variant is rare. At this time, the clinical significance of this variant is uncertain due to the absence of conclusive functional and genetic evidence.